The following is an entry in ClinVar:

NM_153704.6(TMEM67):c.224-2A>T

Gene: TMEM67 (transmembrane protein 67; plus strand). Cytogenetic location: 8q22.1.
Variant type: single nucleotide variant.
Coding change: c.224-2A>T on transcript NM_153704.6 (MANE Select); the canonical splice acceptor site of the intron before coding-DNA position 224, A replaced by T.
Molecular consequence: splice acceptor variant. On other transcripts: intron variant (1).
Genome position (GRCh38, 1-based): chr8:93,755,776, A>T. VCF-style: chr8-93755776-A-T. GRCh37 (hg19) VCF-style: chr8-94768004-A-T.
Other names: c.-62+639A>T (NM_001142301.1).
Identifiers: ClinVar variation 1691207 (VCV001691207.9), dbSNP rs768412278, ClinGen allele CA4807558.

ClinVar aggregate classification (germline): Pathogenic/Likely pathogenic. Review status: criteria provided, multiple submitters, no conflicts (2 of 4 stars). 3 submissions from 3 submitters: Pathogenic (1); Likely pathogenic (2). Last evaluated 2026-10-01.

Conditions:
TMEM67-related disorder. Also called: TMEM67-related condition; TMEM67-related disorders. Identifiers: MedGen CN239423.
Meckel-Gruber syndrome. Also called: DYSENCEPHALIA SPLANCHNOCYSTICA; GRUBER SYNDROME; Dysencephalia splachnocystica. Identifiers: Orphanet 564, MedGen C0265215, MONDO:0018921.
Joubert syndrome. Also called: JOUBERT-BOLTSHAUSER SYNDROME; Familial aplasia of the vermis. Identifiers: Orphanet 475, MedGen C5979921, MONDO:0018772.

Allele frequency attached by ClinVar (database versions not stated): ExAC 0.00010.

Submissions (13):

GeneDx
Classification: Likely pathogenic. Last evaluated: 2026-10-01. Review status: criteria provided, single submitter. Criteria: GeneDx Variant Classification Process June 2021. Collection method: clinical testing. Allele origin: germline.
Comment: Canonical splice site variant predicted to result in a null allele in a gene for which loss of function is a known mechanism of disease; This variant is associated with the following publications: (PMID: 25525159, 19540516)

Labcorp Genetics (formerly Invitae), Labcorp
Classification: Pathogenic for Joubert syndrome; Meckel-Gruber syndrome. Last evaluated: 2025-02-13. Review status: criteria provided, single submitter. Criteria: Invitae Variant Classification Sherloc (09022015). Collection method: clinical testing. Allele origin: germline.
Comment: This sequence change affects an acceptor splice site in intron 1 of the TMEM67 gene. It is expected to disrupt RNA splicing. Variants that disrupt the donor or acceptor splice site typically lead to a loss of protein function (PMID: 16199547), and loss-of-function variants in TMEM67 are known to be pathogenic (PMID: 20232449, 23559409). The frequency data for this variant in the population databases is considered unreliable, as metrics indicate poor data quality at this position in the gnomAD database. Disruption of this splice site has been observed in individual(s) with Joubert syndrome and related disorders (PMID: 19540516). In at least one individual the data is consistent with being in trans (on the opposite chromosome) from a pathogenic variant. ClinVar contains an entry for this variant (Variation ID: 1691207). Algorithms developed to predict the effect of sequence changes on RNA splicing suggest that this variant may disrupt the consensus splice site. For these reasons, this variant has been classified as Pathogenic.

Blueprint Genetics
Classification: Likely pathogenic for TMEM67-related disorders. Last evaluated: 2022-09-01. Review status: criteria provided, single submitter. Criteria: ACMG Guidelines, 2015. Collection method: clinical testing. Allele origin: germline. Affected: yes. Observed: 3 variant alleles.

Dr. Peter K. Rogan Lab, Western University
No classification provided (evidence only). Condition: Lung cancer. Review status: no classification provided. Collection method: in vitro. Allele origin: not applicable. Functional consequence: skipped exon, retained intron. Not counted in ClinVar's aggregate classification.

Dr. Peter K. Rogan Lab, Western University
No classification provided (evidence only). Condition: Lung cancer. Review status: no classification provided. Collection method: in vitro. Allele origin: not applicable. Functional consequence: retained intron. Not counted in ClinVar's aggregate classification.

Dr. Peter K. Rogan Lab, Western University
No classification provided (evidence only). Condition: Familial cancer of breast. Review status: no classification provided. Collection method: in vitro. Allele origin: not applicable. Functional consequence: retained intron. Not counted in ClinVar's aggregate classification.

Dr. Peter K. Rogan Lab, Western University
No classification provided (evidence only). Condition: Familial cancer of breast. Review status: no classification provided. Collection method: in vitro. Allele origin: not applicable. Functional consequence: retained intron. Not counted in ClinVar's aggregate classification.

Dr. Peter K. Rogan Lab, Western University
No classification provided (evidence only). Condition: Familial cancer of breast. Review status: no classification provided. Collection method: in vitro. Allele origin: not applicable. Functional consequence: skipped exon, retained intron. Not counted in ClinVar's aggregate classification.

Dr. Peter K. Rogan Lab, Western University
No classification provided (evidence only). Condition: Familial cancer of breast. Review status: no classification provided. Collection method: in vitro. Allele origin: not applicable. Functional consequence: skipped exon. Not counted in ClinVar's aggregate classification.

Dr. Peter K. Rogan Lab, Western University
No classification provided (evidence only). Condition: Familial cancer of breast. Review status: no classification provided. Collection method: in vitro. Allele origin: not applicable. Functional consequence: skipped exon. Not counted in ClinVar's aggregate classification.

Dr. Peter K. Rogan Lab, Western University
No classification provided (evidence only). Condition: Uterine corpus endometrial carcinoma. Review status: no classification provided. Collection method: in vitro. Allele origin: not applicable. Functional consequence: skipped exon. Not counted in ClinVar's aggregate classification.

Dr. Peter K. Rogan Lab, Western University
No classification provided (evidence only). Condition: Cholangiocarcinoma. Review status: no classification provided. Collection method: in vitro. Allele origin: not applicable. Functional consequence: skipped exon. Not counted in ClinVar's aggregate classification.

Dr. Peter K. Rogan Lab, Western University
No classification provided (evidence only). Condition: Malignant tumor of esophagus. Review status: no classification provided. Collection method: in vitro. Allele origin: not applicable. Functional consequence: retained intron. Not counted in ClinVar's aggregate classification.

Literature cited by the submitters: PubMed 16199547 (cited by Labcorp Genetics (formerly Invitae), Labcorp); PubMed 20232449 (cited by Labcorp Genetics (formerly Invitae), Labcorp); PubMed 23559409 (cited by Labcorp Genetics (formerly Invitae), Labcorp); PubMed 19540516 (cited by Labcorp Genetics (formerly Invitae), Labcorp).